The following is an entry in ClinVar:

NM_024426.6(WT1):c.1144_1145insGGACCGATGGCC (p.Thr382delinsArgThrAspGlyPro)

Gene: WT1 (WT1 transcription factor; minus strand). Cytogenetic location: 11p13.
Variant type: Insertion.
Coding change: c.1144_1145insGGACCGATGGCC on transcript NM_024426.6 (MANE Select); coding-DNA positions 1144 to 1145, GGACCGATGGCC inserted.
Protein change: p.Thr382delinsArgThrAspGlyPro.
Molecular consequence: inframe indel. On other transcripts: 5 prime UTR variant (1), non-coding transcript variant (2).
Genome position: GRCh38 VCF-style: chr11-32396376-G-GGGCCATCGGTCC. GRCh37 (hg19) VCF-style: chr11-32417922-G-GGGCCATCGGTCC.
Other names: c.1093_1094insGGACCGATGGCC, p.Thr365delinsArgThrAspGlyPro (NM_000378.6, NM_001407045.1, NM_001407048.1 and 1 more transcripts); c.493_494insGGACCGATGGCC, p.Thr165delinsArgThrAspGlyPro (NM_001198551.2); c.442_443insGGACCGATGGCC, p.Thr148delinsArgThrAspGlyPro (NM_001198552.2); c.-45_-44insGGACCGATGGCC (NM_001367854.1); c.1138_1139insGGACCGATGGCC, p.Thr380delinsArgThrAspGlyPro (NM_001407044.1); c.1144_1145insGGACCGATGGCC, p.Thr382delinsArgThrAspGlyPro (NM_001407046.1, NM_024424.5); c.1021_1022insGGACCGATGGCC, p.Thr341delinsArgThrAspGlyPro (NM_001407047.1); c.970_971insGGACCGATGGCC, p.Thr324delinsArgThrAspGlyPro (NM_001407050.1); and 3 more.
Identifiers: ClinVar variation 5041698 (VCV005041698.1).

ClinVar aggregate classification (germline): Uncertain significance (1 of 4 stars; one submission).

Submission:

CeGaT Center for Human Genetics Tuebingen
Classification: Uncertain significance. Last evaluated: 2026-09-01. Review status: criteria provided, single submitter. Criteria: CeGaT Center For Human Genetics Tuebingen Variant Classification Criteria Version 2. Collection method: clinical testing. Allele origin: germline. Affected: yes. Observed: 1 variant allele.
Comment: WT1: PM2, PM4